The following is an entry in ClinVar:

ClinVar aggregate classification (germline): Pathogenic (1 of 4 stars; one submission).

Submission:

Labcorp Genetics (formerly Invitae), Labcorp
Classification: Pathogenic. Last evaluated: 2022-03-22. Review status: criteria provided, single submitter. Criteria: Invitae Variant Classification Sherloc (09022015). Collection method: clinical testing. Allele origin: germline.
Comment: This sequence change creates a premature translational stop signal (p.Glu1190Valfs*27) in the ATR gene. It is expected to result in an absent or disrupted protein product. Loss-of-function variants in ATR are known to be pathogenic (PMID: 21228398, 23144622). This variant is not present in population databases (gnomAD no frequency). This variant has not been reported in the literature in individuals affected with ATR-related conditions. For these reasons, this variant has been classified as Pathogenic.

Literature cited by the submitters: PubMed 21228398; PubMed 23144622.

NM_001184.4(ATR):c.3567_3568dup (p.Glu1190fs)

Gene: ATR (ATR checkpoint kinase; minus strand). Cytogenetic location: 3q23.
Variant type: Duplication.
Coding change: c.3567_3568dup on transcript NM_001184.4 (MANE Select); coding-DNA positions 3567 to 3568, 2 bases duplicated (TG; older notation c.3567_3568dupTG).
Protein change: p.Glu1190fs; shifts the reading frame from glutamic acid 1190.
Molecular consequence: frameshift variant.
Genome position (GRCh38, 1-based): chr3:142,540,917-142,540,918, CA duplicated on the plus strand (TG on the coding strand, the reverse complement: ATR is on the minus strand). VCF-style (leftmost placement, unchanged base first): chr3-142540916-T-TCA. GRCh37 (hg19) VCF-style: chr3-142259758-T-TCA.
Other names: c.3375_3376dup, p.Glu1126fs (NM_001354579.2); short protein forms E1126fs, E1190fs.
Identifiers: ClinVar variation 1421134 (VCV001421134.6), dbSNP rs2108437904, ClinGen allele CA2573136609.